The following is an entry in ClinVar:

ClinVar aggregate classification (germline): Uncertain significance. Review status: criteria provided, multiple submitters, no conflicts (2 of 4 stars). 4 submissions from 4 submitters: Uncertain significance (4). Last evaluated 2026-07-01.

Conditions:
Familial hyperaldosteronism type II. Also called: FH II. Identifiers: Orphanet 404, MedGen C1854107, MONDO:0011576, OMIM 605635.
Leukoencephalopathy with mild cerebellar ataxia and white matter edema (LKPAT). Also called: Leukoencephalopathy with white matter edema; Brain white matter edema; CLCN2-Related Leukoencephalopathy; Leukoencephalopathy with ataxia. Identifiers: Orphanet 363540, MedGen C4554120, MONDO:0014292, OMIM 615651. Disease mechanism: loss of function.
Epilepsy, idiopathic generalized, susceptibility to, 11 (EIG11). Identifiers: Orphanet 307, MedGen C2750893, MONDO:0011875, OMIM 607628.

Allele frequency attached by ClinVar (database versions not stated): ExAC 0.00001; gnomAD 0.00001; gnomAD exomes 0.00001; TOPMed 0.00002.
gnomAD v4.1: 19 of 1,614,042 alleles (0.0012%); highest among the groups gnomAD compares: Admixed American, 0.0017%; no homozygotes.

Submissions (4):

CeGaT Center for Human Genetics Tuebingen
Classification: Uncertain significance. Last evaluated: 2026-07-01. Review status: criteria provided, single submitter. Criteria: CeGaT Center For Human Genetics Tuebingen Variant Classification Criteria Version 2. Collection method: clinical testing. Allele origin: germline. Affected: yes. Observed: 1 variant allele.
Comment: CLCN2: PM2, PP3

Fulgent Genetics
Classification: Uncertain significance for Familial hyperaldosteronism type II; Epilepsy, idiopathic generalized, susceptibility to, 11; Leukoencephalopathy with mild cerebellar ataxia and white matter edema. Last evaluated: 2024-02-13. Review status: criteria provided, single submitter. Criteria: ACMG Guidelines, 2015. Collection method: clinical testing. Allele origin: germline.

Center for Personalized Medicine, Children's Hospital Los Angeles
Classification: Uncertain significance. Last evaluated: 2018-11-19. Review status: criteria provided, single submitter. Criteria: ACMG Guidelines, 2015. Collection method: clinical testing. Allele origin: germline. Affected: yes.

Breakthrough Genomics
Classification: Uncertain significance. Review status: criteria provided, single submitter. Criteria: ACMG Guidelines, 2015. Collection method: not provided. Allele origin: germline. Inheritance: Autosomal recessive inheritance. Affected: yes.

NM_004366.6(CLCN2):c.775G>A (p.Val259Ile)

Gene: CLCN2 (chloride voltage-gated channel 2; minus strand). Cytogenetic location: 3q27.1.
Variant type: single nucleotide variant.
Coding change: c.775G>A on transcript NM_004366.6 (MANE Select); coding-DNA position 775, G replaced by A.
Protein change: p.Val259Ile; replaces valine 259 with isoleucine.
Molecular consequence: missense variant.
Genome position (GRCh38, 1-based): chr3:184,357,485, C>T on the plus strand (G>A on the coding strand, the complement: CLCN2 is on the minus strand). VCF-style: chr3-184357485-C-T. GRCh37 (hg19) VCF-style: chr3-184075273-C-T.
Other names: c.775G>A, p.Val259Ile (NM_001171087.3, NM_001171089.3); c.643G>A, p.Val215Ile (NM_001171088.3); short protein forms V259I, V215I.
Identifiers: ClinVar variation 598991 (VCV000598991.7), dbSNP rs757549500, ClinGen allele CA2734351.